The following is an entry in ClinVar:

ClinVar aggregate classification (germline): Conflicting classifications of pathogenicity. Review status: criteria provided, conflicting classifications (1 of 4 stars). 4 submissions from 4 submitters: Likely pathogenic (1); Uncertain significance (3). Last evaluated 2025-11-18.

Conditions:
Wilson disease (WND). Also called: Wilson's disease. Identifiers: Orphanet 905, MedGen C0019202, MONDO:0010200, OMIM 277900. Disease mechanism: loss of function.

Allele frequency attached by ClinVar (database versions not stated): gnomAD exomes below 0.00001; gnomAD 0.00001.
gnomAD v4.1: 3 of 1,613,948 alleles (0.00019%); highest among the groups gnomAD compares: South Asian, 0.0011%; no homozygotes.

Submissions (4):

Dasa
Classification: Uncertain significance for Wilson disease. Last evaluated: 2025-11-18. Review status: criteria provided, single submitter. Criteria: DASA Assertion Criteria. Collection method: clinical testing. Allele origin: germline.
Comment: NM_000053.4(ATP7B):c.2846T>G (p.Val949Gly) is a missense variant that results in the substitution of valine with glycine. This variant is rare in population databases. Computational prediction algorithms are consistent with a deleterious effect. The currently available literature and clinical evidence are not sufficient to establish a definitive association between this variant and the reported condition. Therefore, this variant is classified as a variant of uncertain significance.

Women's Health and Genetics/Laboratory Corporation of America, LabCorp
Classification: Uncertain significance. Last evaluated: 2025-06-27. Review status: criteria provided, single submitter. Criteria: LabCorp Variant Classification Summary - May 2015. Collection method: clinical testing. Allele origin: germline.
Comment: Variant summary: ATP7B c.2846T>G (p.Val949Gly) results in a non-conservative amino acid change in the encoded protein sequence. Algorithms developed to predict the effect of missense changes on protein structure and function all suggest that this variant is likely to be disruptive. The variant was absent in 249300 control chromosomes. c.2846T>G has been observed in individuals affected with Wilson Disease as a compound heterozygous genotype or without reported second variant (e.g. Deguti_2004, Duc_1998, Machado_2008, Nagral_2023, Usta_2014). These data indicate that the variant may be associated with disease. To our knowledge, no experimental evidence demonstrating an impact on protein function has been reported. The following publications have been ascertained in the context of this evaluation (PMID: 15024742, 22692182, 18402634, 36112267, 25390358). ClinVar contains an entry for this variant (Variation ID: 3026514). Based on the evidence outlined above, the variant was classified as VUS-possibly pathogenic.

CeGaT Center for Human Genetics Tuebingen
Classification: Likely pathogenic. Last evaluated: 2024-01-01. Review status: criteria provided, single submitter. Criteria: CeGaT Center For Human Genetics Tuebingen Variant Classification Criteria Version 2. Collection method: clinical testing. Allele origin: germline. Affected: yes. Observed: 2 variant alleles.
Comment: ATP7B: PM1, PM2, PM3:Supporting, PP4

All of Us Research Program, National Institutes of Health
Classification: Uncertain significance for Wilson disease. Last evaluated: 2023-04-10. Review status: criteria provided, single submitter. Criteria: ACMG Guidelines, 2015. Collection method: clinical testing. Allele origin: germline. Inheritance: Autosomal recessive inheritance. Observed: 1 variant allele, 1 heterozygote.
Comment: This missense variant replaces valine with glycine at codon 949 of the ATP7B protein. Computational prediction suggests that this variant may have deleterious impact on protein structure and function (internally defined REVEL score threshold >= 0.7, PMID: 27666373). To our knowledge, functional studies have not been reported for this variant. This variant has not been reported in individuals affected with wilson disease in the literature. This variant has been identified in 1/31412 chromosomes in the general population by the Genome Aggregation Database (gnomAD). The available evidence is insufficient to determine the role of this variant in disease conclusively. Therefore, this variant is classified as a Variant of Uncertain Significance.

This study involves interpretation of variants in research participants for the purpose of population health screening. Participant phenotype was not available at the time of variant classification. Additional details can be found in publication PMID: 35346344, PMCID: PMC8962531

Literature cited by the submitters: PubMed 15024742 (cited by Women's Health and Genetics/Laboratory Corporation of America, LabCorp); PubMed 22692182 (cited by Women's Health and Genetics/Laboratory Corporation of America, LabCorp); PubMed 36112267 (cited by Women's Health and Genetics/Laboratory Corporation of America, LabCorp); PubMed 18402634 (cited by Women's Health and Genetics/Laboratory Corporation of America, LabCorp); PubMed 25390358 (cited by Women's Health and Genetics/Laboratory Corporation of America, LabCorp).

NM_000053.4(ATP7B):c.2846T>G (p.Val949Gly)

Gene: ATP7B (ATPase copper transporting beta; minus strand). Cytogenetic location: 13q14.3.
Variant type: single nucleotide variant.
Coding change: c.2846T>G on transcript NM_000053.4 (MANE Select); coding-DNA position 2846, T replaced by G.
Protein change: p.Val949Gly; replaces valine 949 with glycine.
Molecular consequence: missense variant. On other transcripts: intron variant (6).
Genome position (GRCh38, 1-based): chr13:51,949,681, A>C on the plus strand (T>G on the coding strand, the complement: ATP7B is on the minus strand). VCF-style: chr13-51949681-A-C. GRCh37 (hg19) VCF-style: chr13-52523817-A-C.
Other names: c.2513T>G, p.Val838Gly (NM_001243182.2); c.2612T>G, p.Val871Gly (NM_001330578.2, NM_001406538.1, NM_001406527.1 and 1 more transcripts); c.2594T>G, p.Val865Gly (NM_001330579.2, NM_001406540.1, NM_001406531.1 and 1 more transcripts); c.2846T>G, p.Val949Gly (NM_001406511.1, NM_001406512.1, NM_001406513.1 and 3 more transcripts); c.2813T>G, p.Val938Gly (NM_001406514.1); c.2750T>G, p.Val917Gly (NM_001406517.1, NM_001406518.1); c.2702T>G, p.Val901Gly (NM_001406520.1, NM_001406521.1, NM_001406522.1 and 1 more transcripts); c.2417T>G, p.Val806Gly (NM_001406539.1); and 12 more; short protein forms V519G, V733G, V755G, V787G, V806G, V833G, V838G, V839G.
Identifiers: ClinVar variation 3026514 (VCV003026514.26), dbSNP rs1169959260, ClinGen allele CA388033295.